The following is an entry in ClinVar:

NM_178844.4(NLRC3):c.613A>G (p.Ser205Gly)

Gene: NLRC3 (NLR family CARD domain containing 3; minus strand). Cytogenetic location: 16p13.3.
Variant type: single nucleotide variant.
Coding change: c.613A>G on transcript NM_178844.4 (MANE Select); coding-DNA position 613, A replaced by G.
Protein change: p.Ser205Gly; replaces serine 205 with glycine.
Molecular consequence: missense variant. On other transcripts: non-coding transcript variant (1).
Genome position (GRCh38, 1-based): chr16:3,564,324, T>C on the plus strand (A>G on the coding strand, the complement: NLRC3 is on the minus strand). VCF-style: chr16-3564324-T-C. GRCh37 (hg19) VCF-style: chr16-3614325-T-C.
Other names: short protein forms S205G.
Identifiers: ClinVar variation 103376 (VCV000103376.2), dbSNP rs199475935, ClinGen allele CA230489.

ClinVar aggregate classification (germline): not provided (0 of 4 stars; one submission).

Allele frequency attached by ClinVar (database versions not stated): gnomAD exomes 0.00031 and 0.00071; ExAC 0.00081; ESP Exome Variant Server 0.00178; gnomAD 0.00309 and 0.00336; 1000 Genomes Project 0.00319; 1000 Genomes Project 30x 0.00328; TOPMed 0.00339.
gnomAD v4.1: 940 of 1,611,690 alleles (0.058%); highest among the groups gnomAD compares: African/African-American, 1.1%; 7 homozygotes.

Submission:

Human Evolutionary Genetics, Institut Pasteur
No classification provided. Review status: no classification provided. Collection method: not provided. Allele origin: germline.
ClinVar note: Converted during submission from untested to not provided.